The following is an entry in ClinVar:

NM_000455.5(STK11):c.1262GCA[1] (p.Ser422del)

Gene: STK11 (serine/threonine kinase 11; plus strand). Cytogenetic location: 19p13.3.
Variant type: Microsatellite.
Coding change: c.1262GCA[1] on transcript NM_000455.5 (MANE Select); one copy of the 3-base unit GCA starting at c.1262; the reference has two copies in a row; one copy, 3 bases deleted; also written c.1265_1267del.
Protein change: p.Ser422del; deletes serine 422.
Molecular consequence: inframe deletion.
Genome position (GRCh38, 1-based): chr19:1,226,610-1,226,612, GCA deleted; deleting any 3 consecutive bases within chr19:1,226,605-1,226,612 gives the same sequence; the position shown is the placement nearest the transcript's 3' end. VCF-style (leftmost placement, unchanged base first): chr19-1226604-CCAG-C. GRCh37 (hg19) VCF-style: chr19-1226603-CCAG-C.
Other names: c.1265_1267delGCA (NM_000455.4); c.1265_1267del (NM_000455.5); short protein forms S422del.
Identifiers: ClinVar variation 142404 (VCV000142404.26), dbSNP rs587782439, ClinGen allele CA022566.
Genomic context (GRCh38, chr19:1,226,604, plus strand): 5'-TGAGCACCAAATCCAGGGCGGAGGGCCGGGCCCCCAACCCTGCCCGCAAGGCCTGCTCCG[CCAG>C]CAGCAAGATCCGCCGGCTGTCGGCCTGCAAGCAGCAGTGAGGCTGGCCGCCTGCAGGTGG-3'

ClinVar aggregate classification (germline): Conflicting classifications of pathogenicity. Review status: criteria provided, conflicting classifications (1 of 4 stars). 7 submissions from 7 submitters: Uncertain significance (5); Likely benign (1). 1 of the submissions does not count toward it. Last evaluated 2025-12-10.

Conditions:
Hereditary cancer-predisposing syndrome. Also called: Neoplastic Syndromes, Hereditary; Hereditary Cancer Syndrome; Hereditary neoplastic syndrome; Tumor predisposition. Identifiers: Orphanet 140162, MedGen C0027672, MeSH D009386, MONDO:0015356.
Peutz-Jeghers syndrome (PJS). Also called: Peutz-Jeghers polyposis; Periorificial lentiginosis syndrome; POLYPOSIS, HAMARTOMATOUS INTESTINAL; POLYPS-AND-SPOTS SYNDROME. Identifiers: Orphanet 2869, MedGen C0031269, MeSH D010580, MONDO:0008280, OMIM 175200.

Submissions (7):

Color Diagnostics, LLC DBA Color Health
Classification: Uncertain significance for Hereditary cancer-predisposing syndrome. Last evaluated: 2025-12-10. Review status: criteria provided, single submitter. Criteria: ACMG Guidelines, 2015. Collection method: clinical testing. Allele origin: germline.
Comment: This variant causes an in-frame deletion of one serine amino acid at codon 422 of the STK11 protein. To our knowledge, functional studies have not been reported for this variant. This variant has not been reported in individuals affected with STK11-related disorders in the literature. This variant has been identified in 32/1562792 chromosomes in the general population by the Genome Aggregation Database (gnomAD). The available evidence is insufficient to determine the role of this variant in disease conclusively. Therefore, this variant is classified as a Variant of Uncertain Significance.

Labcorp Genetics (formerly Invitae), Labcorp
Classification: Likely benign for Peutz-Jeghers syndrome. Last evaluated: 2025-11-17. Review status: criteria provided, single submitter. Criteria: Invitae Variant Classification Sherloc (09022015). Collection method: clinical testing. Allele origin: germline.

Ambry Genetics
Classification: Uncertain significance for Hereditary cancer-predisposing syndrome. Last evaluated: 2025-09-09. Review status: criteria provided, single submitter. Criteria: Ambry Variant Classification Scheme 2023. Collection method: clinical testing. Allele origin: germline.
Comment: The c.1265_1267delGCA variant (also known as p.S422del) is located in coding exon 9 of the STK11 gene. This variant results from an in-frame GCA deletion at nucleotide positions 1265 to 1267. This results in the in-frame deletion of a serine at codon 422. This amino acid position is not well conserved in available vertebrate species. In addition, this alteration is predicted to be neutral by in silico analysis (Choi Y et al. PLoS ONE. 2012; 7(10):e46688). Based on the available evidence, the clinical significance of this variant remains unclear.

All of Us Research Program, National Institutes of Health
Classification: Uncertain significance for Peutz-Jeghers syndrome. Last evaluated: 2023-12-13. Review status: criteria provided, single submitter. Criteria: ACMG Guidelines, 2015. Collection method: clinical testing. Allele origin: germline. Inheritance: Autosomal dominant inheritance. Observed: 1 variant allele, 1 heterozygote.
Comment: This variant causes an in-frame deletion of one amino acid at codon 422 of the STK11 protein. To our knowledge, functional studies have not been reported for this variant. This variant has not been reported in individuals affected with STK11-related disorders in the literature. This variant has been identified in 1/162716 chromosomes in the general population by the Genome Aggregation Database (gnomAD). The available evidence is insufficient to determine the role of this variant in disease conclusively. Therefore, this variant is classified as a Variant of Uncertain Significance.

This study involves interpretation of variants in research participants for the purpose of population health screening. Participant phenotype was not available at the time of variant classification. Additional details can be found in publication PMID: 35346344, PMCID: PMC8962531

Myriad Genetics, Inc.
Classification: Uncertain significance for Peutz-Jeghers syndrome. Last evaluated: 2023-04-14. Review status: criteria provided, single submitter. Criteria: Myriad Autosomal Dominant, Autosomal Recessive and X-Linked Classification Criteria (2023). Collection method: clinical testing. Allele origin: unknown.
Comment: This variant is classified as a variant of uncertain significance as there is insufficient evidence to determine its impact on protein function and/or cancer risk.

GeneDx
Classification: Uncertain significance. Last evaluated: 2021-12-29. Review status: criteria provided, single submitter. Criteria: GeneDx Variant Classification Process June 2021. Collection method: clinical testing. Allele origin: germline. Affected: yes.
Comment: Not observed at significant frequency in large population cohorts (Lek et al., 2016); In-frame deletion of one amino acids in a non-repeat region; In silico analysis supports that this variant does not alter protein structure/function; Has not been previously published as pathogenic or benign to our knowledge

Counsyl
Classification: Uncertain significance for Peutz-Jeghers syndrome. Last evaluated: 2016-08-31. Review status: no assertion criteria provided. Collection method: clinical testing. Allele origin: unknown. Not counted in ClinVar's aggregate classification.